The following is an entry in ClinVar:

ClinVar aggregate classification (germline): Uncertain significance (1 of 4 stars; one submission).

Conditions:
Acromesomelic dysplasia 1, Maroteaux type (AMD1). Also called: ST. HELENA DYSPLASIA; ACROMESOMELIC DYSPLASIA 1. Identifiers: Orphanet 40, MedGen C1864356, MONDO:0011275, OMIM 602875.

gnomAD v4.1: 4 of 1,614,000 alleles (0.00025%); highest among the groups gnomAD compares: Admixed American, 0.0017%; no homozygotes.

Submission:

Neuberg Centre For Genomic Medicine, NCGM
Classification: Uncertain significance for Acromesomelic dysplasia 1, Maroteaux type. Last evaluated: 2023-05-20. Review status: criteria provided, single submitter. Criteria: ACMG Guidelines, 2015. Collection method: clinical testing. Allele origin: germline. Inheritance: Autosomal dominant inheritance. Affected: yes.
Comment: The observed missense c.934C>T(p.Arg312Cys) variant in NPR2 gene has not been reported previously as a pathogenic variant nor as a benign variant, to our knowledge. This variant is reported with the allele frequency of 0.0008% in the gnomAD Exomes. The amino acid Arg at position 312 is changed to a Cys changing protein sequence and it might alter its composition and physico-chemical properties. The amino acid change p.Arg312Cys in NPR2 is predicted as conserved by GERP++ and PhyloP across 100 vertebrates. Multiple lines of computational evidence (Polyphen - Damaging, SIFT - Damaging, and MutationTaster - Disease causing) predict a damaging effect on protein structure and function for this variant. For these reasons, this variant has been classified as Uncertain Significance.

NM_003995.4(NPR2):c.934C>T (p.Arg312Cys)

Gene: NPR2 (natriuretic peptide receptor 2; plus strand). Cytogenetic location: 9p13.3.
Variant type: single nucleotide variant.
Coding change: c.934C>T on transcript NM_003995.4 (MANE Select); coding-DNA position 934, C replaced by T.
Protein change: p.Arg312Cys; replaces arginine 312 with cysteine.
Molecular consequence: missense variant.
Genome position (GRCh38, 1-based): chr9:35,799,678, C>T. VCF-style: chr9-35799678-C-T. GRCh37 (hg19) VCF-style: chr9-35799675-C-T.
Other names: c.934C>T, p.Arg312Cys (NM_001378923.1); short protein forms R312C.
Identifiers: ClinVar variation 3367137 (VCV003367137.1).
Genomic context (GRCh38, chr9:35,799,678, plus strand): 5'-ACTGTATTGGTGATCACGTACCGAGAACCCCCAAATCCTGAGTATCAGGAATTCCAGAAT[C>T]GTCTGCTGATAAGAGCCCGGGAAGACTTTGGTGTGGAGCTGGGCCCTTCCCTGGTAAGTA-3'
Protein context (NP_003986.2, residues 302-322): PNPEYQEFQN[Arg312Cys]LLIRAREDFG